The following is an entry in ClinVar:

ClinVar aggregate classification (germline): Uncertain significance. Review status: criteria provided, single submitter (1 of 4 stars). 3 submissions from 3 submitters: Uncertain significance (1). 2 of the submissions do not count toward it. Last evaluated 2021-06-28.

Conditions:
Giant axonal neuropathy 1 (GAN1). Also called: GIANT AXONAL NEUROPATHY 1, AUTOSOMAL RECESSIVE; GAN-Related Neurodegeneration. Identifiers: Orphanet 643, MedGen C1850386, MONDO:0009749, OMIM 256850.
Charcot-Marie-Tooth disease. Also called: Charcot-Marie-Tooth Hereditary Neuropathy; Charcot-Marie-Tooth Neuropathy. Identifiers: Orphanet 166, MedGen C0007959, MONDO:0015626.

Submissions (3):

MGZ Medical Genetics Center
Classification: Uncertain significance for Giant axonal neuropathy 1. Last evaluated: 2021-06-28. Review status: criteria provided, single submitter. Criteria: ACMG Guidelines, 2015. Collection method: clinical testing. Allele origin: germline. Affected: yes. Observed: 1 variant allele.
Comment: ACMG criteria applied: PM2_SUP, PP2, PP3

Inherited Neuropathy Consortium Ii, University Of Miami
Classification: Uncertain significance for Giant axonal neuropathy 1. Last evaluated: 2016-01-06. Review status: no assertion criteria provided. Collection method: literature only. Allele origin: germline. Affected: yes. Not counted in ClinVar's aggregate classification.

Inherited Neuropathy Consortium
Classification: Uncertain significance for Charcot-Marie-Tooth disease. Review status: no assertion criteria provided. Collection method: literature only. Allele origin: germline. Affected: yes. Not counted in ClinVar's aggregate classification.

Literature cited by the submitters: PubMed 24627108 (cited by Inherited Neuropathy Consortium Ii, University Of Miami and Inherited Neuropathy Consortium).

NM_022041.4(GAN):c.305T>C (p.Ile102Thr)

Gene: GAN (gigaxonin; plus strand). Cytogenetic location: 16q23.2.
Variant type: single nucleotide variant.
Coding change: c.305T>C on transcript NM_022041.4 (MANE Select); coding-DNA position 305, T replaced by C.
Protein change: p.Ile102Thr; replaces isoleucine 102 with threonine.
Molecular consequence: missense variant. On other transcripts: 5 prime UTR variant (1).
Genome position (GRCh38, 1-based): chr16:81,354,427, T>C. VCF-style: chr16-81354427-T-C. GRCh37 (hg19) VCF-style: chr16-81388032-T-C.
Other names: c.-335T>C (NM_001377486.1); short protein forms I102T.
Identifiers: ClinVar variation 637100 (VCV000637100.3), dbSNP rs1597401492, ClinGen allele CA396867237.
Genomic context (GRCh38, chr16:81,354,427, plus strand): 5'-ACACATTCAAATATAAGATAATTATGCTACTTTTTTAGATCAGGCTAAATGAAGATACAA[T>C]CCAAGATGTTGTTCAGGCAGCTGACCTGCTGCTACTGACGGACCTTAAAACCCTGTGCTG-3'
Protein context (NP_071324.1, residues 92-112): SGQIRLNEDT[Ile102Thr]QDVVQAADLL